The following is an entry in ClinVar:

ClinVar aggregate classification (germline): Conflicting classifications of pathogenicity. Review status: criteria provided, conflicting classifications (1 of 4 stars). 4 submissions from 4 submitters: Uncertain significance (3); Likely benign (1). Last evaluated 2026-01-01.

Conditions:
Inborn genetic diseases. Identifiers: MedGen C0950123, MeSH D030342.
Developmental and epileptic encephalopathy, 36 (DEE36). Also called: Congenital disorder of glycosylation, type Is; ALG13-CDG; Epileptic encephalopathy, early infantile, 36. Identifiers: Orphanet 324422, MedGen C4317295, MONDO:0010472, OMIM 300884.

Allele frequency attached by ClinVar (database versions not stated): ExAC 0.00003; gnomAD exomes 0.00004 and 0.00002; TOPMed 0.00001.
gnomAD v4.1: 7 of 1,210,841 alleles (0.00058%); highest among the groups gnomAD compares: Admixed American, 0.015%; no homozygotes.

Submissions (4):

CeGaT Center for Human Genetics Tuebingen
Classification: Likely benign. Last evaluated: 2026-01-01. Review status: criteria provided, single submitter. Criteria: CeGaT Center For Human Genetics Tuebingen Variant Classification Criteria Version 2. Collection method: clinical testing. Allele origin: germline. Affected: yes. Observed: 1 variant allele.
Comment: ALG13: BP4, BS2

Labcorp Genetics (formerly Invitae), Labcorp
Classification: Uncertain significance for Developmental and epileptic encephalopathy, 36. Last evaluated: 2025-11-23. Review status: criteria provided, single submitter. Criteria: Invitae Variant Classification Sherloc (09022015). Collection method: clinical testing. Allele origin: germline.
Comment: This sequence change replaces histidine, which is basic and polar, with leucine, which is neutral and non-polar, at codon 117 of the ALG13 protein (p.His117Leu). This variant is present in population databases (rs754497897, gnomAD 0.03%), including at least one homozygous and/or hemizygous individual. This variant has not been reported in the literature in individuals affected with ALG13-related conditions. ClinVar contains an entry for this variant (Variation ID: 473116). Invitae Evidence Modeling of protein sequence and biophysical properties (such as structural, functional, and spatial information, amino acid conservation, physicochemical variation, residue mobility, and thermodynamic stability) has been performed for this missense variant. However, the output from this modeling did not meet the statistical confidence thresholds required to predict the impact of this variant on ALG13 protein function. In summary, the available evidence is currently insufficient to determine the role of this variant in disease. Therefore, it has been classified as a Variant of Uncertain Significance.

GeneDx
Classification: Uncertain significance. Last evaluated: 2022-09-16. Review status: criteria provided, single submitter. Criteria: GeneDx Variant Classification Process June 2021. Collection method: clinical testing. Allele origin: germline. Affected: yes.
Comment: In silico analysis supports that this missense variant has a deleterious effect on protein structure/function; Has not been previously published as pathogenic or benign to our knowledge

Ambry Genetics
Classification: Uncertain significance for Inborn genetic diseases. Last evaluated: 2019-01-31. Review status: criteria provided, single submitter. Criteria: Ambry Variant Classification Scheme 2023. Collection method: clinical testing. Allele origin: germline.
Comment: The p.H117L variant (also known as c.350A>T), located in coding exon 3 of the ALG13 gene, results from an A to T substitution at nucleotide position 350. The histidine at codon 117 is replaced by leucine, an amino acid with similar properties. This amino acid position is not well conserved in available vertebrate species. In addition, the in silico prediction for this alteration is inconclusive. Since supporting evidence is limited at this time, the clinical significance of this alteration remains unclear.

NM_001099922.3(ALG13):c.350A>T (p.His117Leu)

Gene: ALG13 (ALG13 UDP-N-acetylglucosaminyltransferase subunit; plus strand). Cytogenetic location: Xq23.
Variant type: single nucleotide variant.
Coding change: c.350A>T on transcript NM_001099922.3 (MANE Select); coding-DNA position 350, A replaced by T.
Protein change: p.His117Leu; replaces histidine 117 with leucine.
Molecular consequence: missense variant. On other transcripts: synonymous variant (1), non-coding transcript variant (3).
Genome position (GRCh38, 1-based): chrX:111,685,070, A>T. VCF-style: chrX-111685070-A-T. GRCh37 (hg19) VCF-style: chrX-110928298-A-T.
Other names: c.38A>T, p.His13Leu (NM_001257230.2, NM_001257234.2, NM_001257235.3 and 6 more transcripts); c.116A>T, p.His39Leu (NM_001257231.2, NM_001257241.3); c.356A>T, p.His119Leu (NM_001324290.2); c.291A>T, p.Thr97= (NM_001039210.5); c.350A>T, p.His117Leu (NM_001168385.3, NM_001324292.2, NM_018466.6); short protein forms H117L, H13L, H119L, H39L.
Identifiers: ClinVar variation 473116 (VCV000473116.16), dbSNP rs754497897, ClinGen allele CA10493483.